The following is an entry in ClinVar:

NM_024741.3(ZNF408):c.1261C>G (p.Gln421Glu)

Gene: ZNF408 (zinc finger protein 408; plus strand). Cytogenetic location: 11p11.2.
Variant type: single nucleotide variant.
Coding change: c.1261C>G on transcript NM_024741.3 (MANE Select); coding-DNA position 1261, C replaced by G.
Protein change: p.Gln421Glu; replaces glutamine 421 with glutamic acid.
Molecular consequence: missense variant.
Genome position (GRCh38, 1-based): chr11:46,704,961, C>G. VCF-style: chr11-46704961-C-G. GRCh37 (hg19) VCF-style: chr11-46726511-C-G.
Other names: c.1261C>G (NM_024741.2); c.1237C>G, p.Gln413Glu (NM_001184751.2); short protein forms Q413E, Q421E.
Identifiers: ClinVar variation 1518685 (VCV001518685.9), dbSNP rs371951145, ClinGen allele CA5966523.

ClinVar aggregate classification (germline): Uncertain significance. Review status: criteria provided, multiple submitters, no conflicts (2 of 4 stars). 4 submissions from 4 submitters: Uncertain significance (4). Last evaluated 2025-08-05.

Conditions:
Inborn genetic diseases. Identifiers: MedGen C0950123, MeSH D030342.

Allele frequency attached by ClinVar (database versions not stated): gnomAD 0.00001 and 0.00005; TOPMed 0.00002; ESP Exome Variant Server 0.00008; gnomAD exomes 0.00008; ExAC 0.00010; 1000 Genomes Project 30x 0.00016; 1000 Genomes Project 0.00020.
gnomAD v4.1: 72 of 1,613,616 alleles (0.0045%); highest among the groups gnomAD compares: South Asian, 0.058%; 1 homozygote.

Submissions (4):

Ambry Genetics
Classification: Uncertain significance for Inborn genetic diseases. Last evaluated: 2025-08-05. Review status: criteria provided, single submitter. Criteria: Ambry Variant Classification Scheme 2023. Collection method: clinical testing. Allele origin: germline.

Labcorp Genetics (formerly Invitae), Labcorp
Classification: Uncertain significance. Last evaluated: 2024-12-30. Review status: criteria provided, single submitter. Criteria: Invitae Variant Classification Sherloc (09022015). Collection method: clinical testing. Allele origin: germline.
Comment: This sequence change replaces glutamine, which is neutral and polar, with glutamic acid, which is acidic and polar, at codon 421 of the ZNF408 protein (p.Gln421Glu). This variant is present in population databases (rs371951145, gnomAD 0.05%). This variant has not been reported in the literature in individuals affected with ZNF408-related conditions. ClinVar contains an entry for this variant (Variation ID: 1518685). An algorithm developed to predict the effect of missense changes on protein structure and function (PolyPhen-2) suggests that this variant is likely to be tolerated. In summary, the available evidence is currently insufficient to determine the role of this variant in disease. Therefore, it has been classified as a Variant of Uncertain Significance.

Blueprint Genetics
Classification: Uncertain significance. Last evaluated: 2023-10-26. Review status: criteria provided, single submitter. Criteria: ACMG Guidelines, 2015. Collection method: clinical testing. Allele origin: germline.

Breakthrough Genomics
Classification: Uncertain significance. Review status: criteria provided, single submitter. Criteria: ACMG Guidelines, 2015. Collection method: not provided. Allele origin: germline. Inheritance: Autosomal recessive inheritance. Affected: yes.